The following is an entry in ClinVar:

NM_001267550.2(TTN):c.70957del (p.Val23653fs)

Genes: TTN (titin; minus strand), TTN-AS1 (TTN antisense RNA 1; plus strand). Cytogenetic location: 2q31.2.
Variant type: Deletion.
Coding change: c.70957del on transcript NM_001267550.2 (MANE Select); coding-DNA position 70957, one base deleted (G; older notation c.70957delG).
Protein change: p.Val23653fs; shifts the reading frame from valine 23653.
Molecular consequence: frameshift variant.
Genome position (GRCh38, 1-based): chr2:178,575,175, C deleted on the plus strand (G on the coding strand, the reverse complement: TTN is on the minus strand). VCF-style (leftmost placement, unchanged base first): chr2-178575174-AC-A. GRCh37 (hg19) VCF-style: chr2-179439901-AC-A.
Other names: c.66034del, p.Val22012fs (NM_001256850.1); c.43762del, p.Val14588fs (NM_003319.4); c.63253del, p.Val21085fs (NM_133378.4); c.44137del, p.Val14713fs (NM_133432.3); c.44338del, p.Val14780fs (NM_133437.4); short protein forms V14588fs, V14713fs, V14780fs, V21085fs, V22012fs, V23653fs.
Identifiers: ClinVar variation 1068246 (VCV001068246.9), dbSNP rs2154172050, ClinGen allele CA2499215380.
Genomic context (GRCh38, chr2:178,575,174, plus strand): 5'-ATTTGGTCTCCTTTTTTCCATGTCACTGTGGGCTTCGGTCGACCGAGCACTGGAATTTCA[AC>A]TTTGATGTTGTCACCAGCTTTGGCAATGACCAGTTTCTGATAGATGCCACGGAGATCCAG-3'

ClinVar aggregate classification (germline): Likely pathogenic (1 of 4 stars; one submission).

Conditions:
Dilated cardiomyopathy 1G (CMD1G). Identifiers: Orphanet 154, MedGen C1858763, MONDO:0011400, OMIM 604145.
Autosomal recessive limb-girdle muscular dystrophy type 2J (LGMDR10). Also called: Limb-girdle muscular dystrophy, type 2J; MUSCULAR DYSTROPHY, LIMB-GIRDLE, AUTOSOMAL RECESSIVE 10. Identifiers: Orphanet 140922, MedGen C1837342, MONDO:0012127, OMIM 608807.

Submission:

Labcorp Genetics (formerly Invitae), Labcorp
Classification: Likely pathogenic for Dilated cardiomyopathy 1G; Autosomal recessive limb-girdle muscular dystrophy type 2J. Last evaluated: 2025-02-10. Review status: criteria provided, single submitter. Criteria: Invitae Variant Classification Sherloc (09022015). Collection method: clinical testing. Allele origin: germline.
Comment: This sequence change creates a premature translational stop signal (p.Val23653Leufs*13) in the TTN gene. While this is not anticipated to result in nonsense mediated decay, it is expected to create a truncated TTN protein. This variant is not present in population databases (gnomAD no frequency). This premature translational stop signal has been observed in individual(s) with dilated cardiomyopathy (internal data). ClinVar contains an entry for this variant (Variation ID: 1068246). This variant is located in the A band of TTN (PMID: 25589632). Truncating variants in this region are significantly overrepresented in patients affected with dilated cardiomyopathy (PMID: 25589632). Truncating variants in this region have also been reported in individuals affected with autosomal recessive centronuclear myopathy (PMID: 23975875). In summary, the currently available evidence indicates that the variant is pathogenic, but additional data are needed to prove that conclusively. Therefore, this variant has been classified as Likely Pathogenic.

Literature cited by the submitters: PubMed 25589632; PubMed 23975875.